The following is an entry in ClinVar:

NM_001130965.3(SUN1):c.873G>C (p.Lys291Asn)

Gene: SUN1 (Sad1 and UNC84 domain containing 1; plus strand). Cytogenetic location: 7p22.3.
Variant type: single nucleotide variant.
Coding change: c.873G>C on transcript NM_001130965.3 (MANE Select); coding-DNA position 873, G replaced by C.
Protein change: p.Lys291Asn; replaces lysine 291 with asparagine.
Molecular consequence: missense variant. On other transcripts: non-coding transcript variant (3).
Genome position (GRCh38, 1-based): chr7:852,630, G>C. VCF-style: chr7-852630-G-C. GRCh37 (hg19) VCF-style: chr7-892267-G-C.
Other names: p.Lys291Asn; c.1182G>C, p.Lys394Asn (NM_001367692.1, NM_001367677.1); c.1068G>C, p.Lys356Asn (NM_001367693.1, NM_001367697.1, NM_001367643.1); c.873G>C, p.Lys291Asn (NM_001367694.1, NM_001367653.1, NM_001367633.1 and 3 more transcripts); c.795G>C, p.Lys265Asn (NM_001367695.1); c.984G>C, p.Lys328Asn (NM_001367696.1, NM_001367664.1, NM_001367638.1 and 1 more transcripts); c.1155G>C, p.Lys385Asn (NM_001367698.1, NM_001367641.1, NM_001367682.1); c.1266G>C, p.Lys422Asn (NM_001367699.1, NM_001367678.1, NM_001367687.1 and 2 more transcripts); and 25 more; short protein forms K102N, K139N, K174N, K189N, K208N, K236N, K241N, K245N.
Identifiers: ClinVar variation 4683248 (VCV004683248.1).

ClinVar aggregate classification (germline): Likely benign (1 of 4 stars; one submission).

Submission:

Mayo Clinic Laboratories, Mayo Clinic
Classification: Likely benign. Last evaluated: 2025-05-27. Review status: criteria provided, single submitter. Criteria: ACMG Guidelines, 2015. Collection method: clinical testing. Allele origin: germline. Observed: 1 variant allele.
Comment: BP4_moderate